The following is an entry in ClinVar:

NM_001018115.3(FANCD2):c.103T>A (p.Ser35Thr)

Genes: FANCD2 (FA complementation group D2; plus strand), LOC107303338 (3p25 FANCD2 Alu-mediated recombination region; plus strand). Cytogenetic location: 3p25.3.
Variant type: single nucleotide variant.
Coding change: c.103T>A on transcript NM_001018115.3 (MANE Select); coding-DNA position 103, T replaced by A.
Protein change: p.Ser35Thr; replaces serine 35 with threonine.
Molecular consequence: missense variant.
Genome position (GRCh38, 1-based): chr3:10,032,870, T>A. VCF-style: chr3-10032870-T-A. GRCh37 (hg19) VCF-style: chr3-10074554-T-A.
Other names: c.103T>A, p.Ser35Thr (NM_001319984.2, NM_001374253.1, NM_001374254.1 and 2 more transcripts); short protein forms S35T.
Identifiers: ClinVar variation 3375072 (VCV003375072.1).
Genomic context (GRCh38, chr3:10,032,870, plus strand): 5'-TTGAAAATTTTTCTATTTTCAGAAACCAGGAAGCAACCACTTTCCAAAAAGACAAAGAAA[T>A]CTCATATTGCTAATGAAGTTGAAGAAAATGACAGCATCTTTGTAAAGCTTCTTAAGATAT-3'
Protein context (NP_001018125.1, residues 25-45): KQPLSKKTKK[Ser35Thr]HIANEVEEND

ClinVar aggregate classification (germline): Uncertain significance (1 of 4 stars; one submission).

Submission:

Women's Health and Genetics/Laboratory Corporation of America, LabCorp
Classification: Uncertain significance. Last evaluated: 2024-09-04. Review status: criteria provided, single submitter. Criteria: LabCorp Variant Classification Summary - May 2015. Collection method: clinical testing. Allele origin: germline.
Comment: Variant summary: FANCD2 c.103T>A (p.Ser35Thr) results in a conservative amino acid change in the encoded protein sequence. Four of five in-silico tools predict a benign effect of the variant on protein function. The variant allele was found at a frequency of 4e-06 in 250888 control chromosomes. The available data on variant occurrences in the general population are insufficient to allow any conclusion about variant significance. c.103T>A has been reported in the literature in an unknown zygosity in at least 1 individual affected with Fanconi Anemia (example, Chang_2023). These report(s) do not provide unequivocal conclusions about association of the variant with Fanconi Anemia. To our knowledge, no experimental evidence demonstrating an impact on protein function has been reported. The following publication has been ascertained in the context of this evaluation (PMID: 36463940). No submitters have cited clinical-significance assessments for this variant to ClinVar. Based on the evidence outlined above, the variant was classified as uncertain significance.

Literature cited by the submitters: PubMed 36463940.